The following is an entry in ClinVar:

NM_003036.4(SKI):c.896G>T (p.Arg299Leu)

Gene: SKI (SKI proto-oncogene; plus strand). Cytogenetic location: 1p36.33.
Variant type: single nucleotide variant.
Coding change: c.896G>T on transcript NM_003036.4 (MANE Select); coding-DNA position 896, G replaced by T.
Protein change: p.Arg299Leu; replaces arginine 299 with leucine.
Molecular consequence: missense variant.
Genome position (GRCh38, 1-based): chr1:2,229,662, G>T. VCF-style: chr1-2229662-G-T. GRCh37 (hg19) VCF-style: chr1-2161101-G-T.
Other names: short protein forms R299L.
Identifiers: ClinVar variation 1312825 (VCV001312825.2), dbSNP rs1482824984, ClinGen allele CA337956319.
Genomic context (GRCh38, chr1:2,229,662, plus strand): 5'-CCAACTGGCGGGCCTACATCCTGCTGAGCCAGGATTACACGGGCAAGGAGGAGCAGGCGC[G>T]CCTCGGCCGCTGCCTGGACGACGTGAAGGAGAAATTCGACTATGGCAACAAGTACAAGCG-3'
Protein context (NP_003027.1, residues 289-309): QDYTGKEEQA[Arg299Leu]LGRCLDDVKE

ClinVar aggregate classification (germline): Uncertain significance (1 of 4 stars; one submission).

Allele frequency attached by ClinVar (database versions not stated): gnomAD 0.00001.
gnomAD v4.1: 2 of 1,610,298 alleles (0.00012%); highest among the groups gnomAD compares: African/African-American, 0.0027%; no homozygotes.

Submission:

GeneDx
Classification: Uncertain significance. Last evaluated: 2020-06-24. Review status: criteria provided, single submitter. Criteria: GeneDx Variant Classification Process June 2021. Collection method: clinical testing. Allele origin: germline. Affected: yes.
Comment: Not observed in large population cohorts (Lek et al., 2016); In silico analysis supports that this missense variant has a deleterious effect on protein structure/function; Has not been previously published as pathogenic or benign to our knowledge